The following is an entry in ClinVar:

ClinVar aggregate classification (germline): Uncertain significance (1 of 4 stars; one submission).

Conditions:
GNB1-related disorder. Also called: GNB1-related condition.

Submission:

PreventionGenetics, part of Exact Sciences
Classification: Uncertain significance for GNB1-related condition. Last evaluated: 2025-03-04. Review status: criteria provided, single submitter. Criteria: ACMG Guidelines, 2015. Collection method: clinical testing. Allele origin: germline.
Comment: The GNB1 c.820A>C variant is predicted to result in the amino acid substitution p.Thr274Pro. To our knowledge, this variant has not been reported in the literature or in a large population database (gnomAD), indicating this variant is rare. At this time, the clinical significance of this variant is uncertain due to the absence of conclusive functional and genetic evidence.

NM_002074.5(GNB1):c.820A>C (p.Thr274Pro)

Gene: GNB1 (G protein subunit beta 1; minus strand). Cytogenetic location: 1p36.33.
Variant type: single nucleotide variant.
Coding change: c.820A>C on transcript NM_002074.5 (MANE Select); coding-DNA position 820, A replaced by C.
Protein change: p.Thr274Pro; replaces threonine 274 with proline.
Molecular consequence: missense variant.
Genome position (GRCh38, 1-based): chr1:1,789,149, T>G on the plus strand (A>C on the coding strand, the complement: GNB1 is on the minus strand). VCF-style: chr1-1789149-T-G. GRCh37 (hg19) VCF-style: chr1-1720588-T-G.
Other names: c.520A>C, p.Thr174Pro (NM_001282538.2); c.820A>C, p.Thr274Pro (NM_001282539.2); short protein forms T174P, T274P.
Identifiers: ClinVar variation 4988092 (VCV004988092.1).